The following continues an entry in ClinVar:

NM_000059.4(BRCA2):c.8351G>A (p.Arg2784Gln)

Gene: BRCA2. ClinVar aggregate classification (germline): Conflicting classifications of pathogenicity. Pathogenic (3); Likely pathogenic (7); Pathogenic, low penetrance (1); Uncertain significance (12).

Submissions 16 to 29 of 29:

All of Us Research Program, National Institutes of Health
Classification: Uncertain significance for Breast-ovarian cancer, familial, susceptibility to, 2. Last evaluated: 2023-10-23. Review status: criteria provided, single submitter. Criteria: ACMG Guidelines, 2015. Collection method: clinical testing. Allele origin: germline. Inheritance: Autosomal dominant inheritance. Observed: 1 variant allele, 1 heterozygote.
Comment: This missense variant replaces arginine with glutamine at codon 2784 of the BRCA2 protein. Computational prediction suggests that this variant may have deleterious impact on protein structure and function (internally defined REVEL score threshold >= 0.7, PMID: 27666373). Functional studies have shown that this variant reduces homology-direct DNA repair function, complements poorly in BRCA2-null cells, and increases sensitivity to PARP inhibitors (PMID: 23108138, 29394989, 29988080, 37067535). This variant has been reported in individuals affected with breast or ovarian cancer (PMID: 34072659, 27914478, 36605468, DOI: 10.1515/tjb-2019-0424, Color internal data). In a large breast cancer case-control study conducted by the BRIDGES consortium this variant was reported in 6/60466 cases and 2/53461 controls, showing inconclusive association with disease (OR= 2.653, 95%CI 0.535 to 13.143, p-value= 0.296) (PMID: 33471991; Leiden Open Variation Database DB-ID BRCA2_000310). A multifactorial analysis has reported low likelihood ratios based on segregation with disease in multiple families and co-occurrence with pathogenic variant(s) that might explain the disease (PMID: 31131967). This variant has been identified in 3/251422 chromosomes in the general population by the Genome Aggregation Database (gnomAD). The available evidence is insufficient to determine the role of this variant in disease conclusively. Therefore, this variant is classified as a Variant of Uncertain Significance.

This study involves interpretation of variants in research participants for the purpose of population health screening. Participant phenotype was not available at the time of variant classification. Additional details can be found in publication PMID: 35346344, PMCID: PMC8962531

CHEO Genetics Diagnostic Laboratory, Children's Hospital of Eastern Ontario
Classification: Likely pathogenic for Breast and/or ovarian cancer. Last evaluated: 2023-02-17. Review status: criteria provided, single submitter. Criteria: ACMG Guidelines, 2015. Collection method: clinical testing. Allele origin: germline. Study: Canadian Open Genetics Repository.

Centre for Mendelian Genomics, University Medical Centre Ljubljana
Classification: Likely pathogenic for Breast-ovarian cancer, familial, susceptibility to, 2. Last evaluated: 2022-12-09. Review status: criteria provided, single submitter. Criteria: ACMG Guidelines, 2015. Collection method: research. Allele origin: germline. Affected: no.
Comment: PS3, PS4_STR

Sema4
Classification: Uncertain significance for Hereditary cancer-predisposing syndrome. Last evaluated: 2021-10-21. Review status: criteria provided, single submitter. Criteria: Sema4 Curation Guidelines. Collection method: curation. Allele origin: germline.
Comment: The BRCA2 c.8351G>A (p.R2784Q) variant has been reported in individuals with prostate cancer and breast and/or ovarian cancer (PMID: 21952622, 21232165, 19200354, 27914478, 34072659, 30254663). However, the variant did not co-segregate with breast cancer in a family (PMID: 19200354). A large case-control study identified the variant in 1/60466 breast cancer cases and in 0/53461 controls (PMID: 33471991). It was observed in 1/16256 chromosomes of the African/African American subpopulation in the large and broad cohorts of the Genome Aggregation Database (PMID: 32461654). The variant has been reported in ClinVar (Variation ID 52559). In silico tools suggest the impact of the variant on protein function is deleterious. Functional studies showed the variant to result in decreased homology-directed repair activity, increased sensitivity to cisplatin and poly (ADP-ribose) polymerase inhibitors, and poor complementation of BRCA2 null mouse embryonic stem cell survival (PMID: 29884841, 29988080, 29394989, 23108138, 32444794). The evidence is insufficient to meet ACMG/AMP criteria for classifying the variant as benign or pathogenic. Thus, the clinical significance of this variant is currently uncertain.

Cancer Variant Interpretation Group UK, Institute of Cancer Research, London
Classification: Likely pathogenic for Hereditary Breast and Ovarian Cancer. Last evaluated: 2020-10-04. Review status: criteria provided, single submitter. Criteria: ACMG Guidelines, 2015. Collection method: curation. Allele origin: germline.
Comment: Data used in classification: The variant was observed in 2 independent UK families undergoing clinical diagnostic BRCA1/BRCA2 testing for HBOC according to diagnostic criteria, the denominator of which dataset of clinical testing was 16,600. Case control comparison against ethnically matched population data (2/16,600 in familial cases against 1/55,830 gnomAD NFE controls) 2-sided Fishers exact: pexact= 0.13 (PS4_sup). This variant is predicted deleterious on AlignGVGD (class:C35), SIFT (Deleterious), Polyphen2 HumVar (probably damaging) and CADD (34) (PP3_sup). The variant is in the DNA-binding domain of BRCA2 (PM1_sup). In the BRCA2 Homology-Directed Repair Activity assay for the DNA Binding Domain (Guidugli et al Cancer Res 2013;73:265-275,Couch Lab), the variant has a probability of pathogenicity of 1.0 (PS3_strong). Data not used in classification: There are additional reports of this variant in ClinVar (8), BIC (4), UMD (1) and BRCA2 LOVD (3). The frequency of this variant is 2/67,273 individuals (remainder of the gnomAD population).

Department of Pathology and Laboratory Medicine, Sinai Health System
Classification: Uncertain significance for Familial cancer of breast; Breast-ovarian cancer, familial, susceptibility to, 2. Last evaluated: 2020-02-24. Review status: criteria provided, single submitter. Criteria: ACMG Guidelines, 2015. Collection method: clinical testing. Allele origin: germline. Affected: yes.

Mendelics
Classification: Likely pathogenic for Breast-ovarian cancer, familial, susceptibility to, 2. Last evaluated: 2019-05-28. Review status: criteria provided, single submitter. Criteria: Mendelics Assertion Criteria 2017. Collection method: clinical testing. Allele origin: unknown.

Clinical Genetics and Genomics, Karolinska University Hospital
Classification: Pathogenic. Last evaluated: 2014-09-11. Review status: criteria provided, single submitter. Criteria: ACMG Guidelines, 2015. Collection method: clinical testing. Allele origin: unknown. Affected: yes. Observed: 5 variant alleles.

German Consortium for Hereditary Breast and Ovarian Cancer, University Hospital Cologne
Classification: Likely pathogenic, low penetrance for Hereditary breast ovarian cancer syndrome. Last evaluated: 2024-10-08. Review status: no assertion criteria provided. Collection method: curation. Allele origin: germline. Not counted in ClinVar's aggregate classification.
Comment: ENIGMA CWG (manuscript in preparation) Variant with reduced risk!!!.

Department of Medical and Surgical Sciences, University of Bologna
Classification: Likely benign for Breast-ovarian cancer, familial, susceptibility to, 2. Last evaluated: 2023-09-01. Review status: no assertion criteria provided. Collection method: clinical testing. Allele origin: germline. Affected: yes. Not counted in ClinVar's aggregate classification.
Comment: PS3(Strong)+PP3(Supporting)+BP5(Very Strong) according to ACMG/AMP classification guidelines specified for BRCA1 & BRCA2 (Classification Criteria V1.0.0 2023-09-08) (PMID: 38160042)

True Health Diagnostics
Classification: Uncertain significance for Hereditary cancer-predisposing syndrome. Last evaluated: 2018-02-20. Review status: no assertion criteria provided. Collection method: clinical testing. Allele origin: germline. Not counted in ClinVar's aggregate classification.

CSER _CC_NCGL, University of Washington
Classification: Uncertain significance for Breast cancer. Last evaluated: 2014-06-01. Review status: no assertion criteria provided. Collection method: research. Allele origin: germline. Inheritance: Autosomal dominant inheritance. Study: ESP 6500 variant annotation. Not counted in ClinVar's aggregate classification.
Comment: Variants classified for the Actionable exomic incidental findings in 6503 participants: challenges of variant classification manuscript

Sharing Clinical Reports Project (SCRP)
Classification: Uncertain significance for Breast-ovarian cancer, familial 2. Last evaluated: 2012-08-21. Review status: no assertion criteria provided. Collection method: clinical testing. Allele origin: germline. Not counted in ClinVar's aggregate classification.

Breast Cancer Information Core (BIC) (BRCA2)
Classification: Uncertain significance for Breast-ovarian cancer, familial 2. Last evaluated: 2002-05-29. Review status: no assertion criteria provided. Collection method: clinical testing. Allele origin: germline. Affected: yes. Observed: 4 variant alleles. Not counted in ClinVar's aggregate classification.

Literature cited by the submitters: PubMed 29988080 (cited by 8 submitters); PubMed 29884841 (cited by 5 submitters); PubMed 32444794 (cited by 5 submitters); PubMed 41412794 (cited by Hema, HEMA – Genetic and Molecular Diagnostic Laboratory and Ambry Genetics); PubMed 31131967 (cited by 6 submitters); PubMed 19043619 (cited by 3 submitters); PubMed 19200354 (cited by 6 submitters); PubMed 19563646 (cited by 5 submitters); PubMed 21232165 (cited by 6 submitters); PubMed 21952622 (cited by 6 submitters); PubMed 23108138 (cited by 9 submitters); PubMed 25637381 (cited by Ambry Genetics and Quest Diagnostics Nichols Institute San Juan Capistrano); PubMed 29394989 (cited by 7 submitters); PubMed 30254663 (cited by 4 submitters); PubMed 35264596 (cited by 3 submitters); PubMed 36605468 (cited by 4 submitters); PubMed 27914478 (cited by 7 submitters); PubMed 17088437 (cited by Women's Health and Genetics/Laboratory Corporation of America, LabCorp); PubMed 24323938 (cited by Women's Health and Genetics/Laboratory Corporation of America, LabCorp); PubMed 25348012 (cited by Women's Health and Genetics/Laboratory Corporation of America, LabCorp); PubMed 38160042 (cited by Women's Health and Genetics/Laboratory Corporation of America, LabCorp); PubMed 36881271 (cited by Quest Diagnostics Nichols Institute San Juan Capistrano); PubMed 33471991 (cited by 4 submitters); PubMed 32906206 (cited by Quest Diagnostics Nichols Institute San Juan Capistrano); PubMed 34072659 (cited by 4 submitters); PubMed 38960732 (cited by Quest Diagnostics Nichols Institute San Juan Capistrano); PubMed 34326862 (cited by Labcorp Genetics (formerly Invitae), Labcorp); PubMed 35534704 (cited by Labcorp Genetics (formerly Invitae), Labcorp); PubMed 16683254 (cited by Labcorp Genetics (formerly Invitae), Labcorp); PubMed 18451181 (cited by Labcorp Genetics (formerly Invitae), Labcorp); PubMed 21520333 (cited by Labcorp Genetics (formerly Invitae), Labcorp); PubMed 27616075 (cited by Labcorp Genetics (formerly Invitae), Labcorp); PubMed 30032850 (cited by Labcorp Genetics (formerly Invitae), Labcorp); PubMed 31853058 (cited by Color Diagnostics, LLC DBA Color Health); PubMed 37067535 (cited by Color Diagnostics, LLC DBA Color Health and All of Us Research Program, National Institutes of Health); PubMed 27741520 (cited by Department of Pathology and Laboratory Medicine, Sinai Health System).